The following is an entry in ClinVar:

NM_024422.6(DSC2):c.1663+1G>A

Gene: DSC2 (desmocollin 2; minus strand). Cytogenetic location: 18q12.1.
Variant type: single nucleotide variant.
Coding change: c.1663+1G>A on transcript NM_024422.6 (MANE Select); the canonical splice donor site of the intron after coding-DNA position 1663, G replaced by A.
Molecular consequence: splice donor variant.
Genome position (GRCh38, 1-based): chr18:31,079,846, C>T on the plus strand (G>A on the coding strand, the complement: DSC2 is on the minus strand). VCF-style: chr18-31079846-C-T. GRCh37 (hg19) VCF-style: chr18-28659812-C-T.
Other names: c.1663+1G>A (NM_004949.5); c.1234+1G>A (NM_001406506.1, NM_001406507.1).
Identifiers: ClinVar variation 3708157 (VCV003708157.2).

ClinVar aggregate classification (germline): Likely pathogenic (1 of 4 stars; one submission).

Conditions:
Arrhythmogenic right ventricular dysplasia 11. Also called: ARRHYTHMOGENIC RIGHT VENTRICULAR DYSPLASIA, FAMILIAL, 11; Arrhythmogenic Right Ventricular Dysplasia/Cardiomyopathy11; Arrhythmogenic right ventricular dysplasia 11 with mild palmoplantar keratoderma and woolly hair. Identifiers: MedGen C1864850, MONDO:0012506, OMIM 610476.

gnomAD v4.1: 2 of 1,613,746 alleles (0.00012%); highest among the groups gnomAD compares: African/African-American, 0.0013%; no homozygotes.

Submission:

Labcorp Genetics (formerly Invitae), Labcorp
Classification: Likely pathogenic for Arrhythmogenic right ventricular dysplasia 11. Last evaluated: 2025-06-08. Review status: criteria provided, single submitter. Criteria: Invitae Variant Classification Sherloc (09022015). Collection method: clinical testing. Allele origin: germline.
Comment: This sequence change affects a donor splice site in intron 11 of the DSC2 gene. It is expected to disrupt RNA splicing. Variants that disrupt the donor or acceptor splice site typically lead to a loss of protein function (PMID: 16199547), and loss-of-function variants in DSC2 are known to be pathogenic (PMID: 23911551). This variant is not present in population databases (gnomAD no frequency). This variant has not been reported in the literature in individuals affected with DSC2-related conditions. ClinVar contains an entry for this variant (Variation ID: 3708157). Algorithms developed to predict the effect of sequence changes on RNA splicing suggest that this variant may disrupt the consensus splice site. In summary, the currently available evidence indicates that the variant is pathogenic, but additional data are needed to prove that conclusively. Therefore, this variant has been classified as Likely Pathogenic.

Literature cited by the submitters: PubMed 16199547; PubMed 23911551.